The following is an entry in ClinVar:

ClinVar aggregate classification (germline): Likely pathogenic (1 of 4 stars; one submission).

Submission:

GeneDx
Classification: Likely pathogenic. Last evaluated: 2021-03-05. Review status: criteria provided, single submitter. Criteria: GeneDx Variant Classification Process June 2021. Collection method: clinical testing. Allele origin: germline. Affected: yes.
Comment: Frameshift variant predicted to result in protein truncation, as the last 443 amino acids are replaced with 43 different amino acids, and other loss-of-function variants have been reported downstream in the Human Gene Mutation Database (Stenson et al., 2014); Not observed in large population cohorts (Lek et al., 2016); Has not been previously published as pathogenic or benign to our knowledge

NM_000334.4(SCN4A):c.4179_4180insCC (p.Ile1394fs)

Genes: GH-LCR (growth hormone locus control region; plus strand), SCN4A (sodium voltage-gated channel alpha subunit 4; minus strand). Cytogenetic location: 17q23.3.
Variant type: Insertion.
Coding change: c.4179_4180insCC on transcript NM_000334.4 (MANE Select); coding-DNA positions 4179 to 4180, CC inserted.
Protein change: p.Ile1394fs; shifts the reading frame from isoleucine 1394.
Molecular consequence: frameshift variant.
Genome position: GRCh38 VCF-style: chr17-63942934-T-TGG. GRCh37 (hg19) VCF-style: chr17-62020294-T-TGG.
Other names: short protein forms I1394fs.
Identifiers: ClinVar variation 420627 (VCV000420627.3), dbSNP rs1064794596, ClinGen allele CA16620555.